The following is an entry in ClinVar:

NM_012418.4(FSCN2):c.1339G>A (p.Glu447Lys)

Gene: FSCN2 (fascin actin-bundling protein 2, retinal; plus strand). Cytogenetic location: 17q25.3.
Variant type: single nucleotide variant.
Coding change: c.1339G>A on transcript NM_012418.4 (MANE Select); coding-DNA position 1339, G replaced by A.
Protein change: p.Glu447Lys; replaces glutamic acid 447 with lysine.
Molecular consequence: missense variant.
Genome position (GRCh38, 1-based): chr17:81,536,940, G>A. VCF-style: chr17-81536940-G-A. GRCh37 (hg19) VCF-style: chr17-79503966-G-A.
Other names: c.1411G>A, p.Glu471Lys (NM_001077182.3); short protein forms E447K, E471K.
Identifiers: ClinVar variation 1417981 (VCV001417981.6), dbSNP rs956779574, ClinGen allele CA295085797.

ClinVar aggregate classification (germline): Uncertain significance (1 of 4 stars; one submission).

Allele frequency attached by ClinVar (database versions not stated): gnomAD exomes 0.00002.
gnomAD v4.1: 18 of 1,571,052 alleles (0.0011%); highest among the groups gnomAD compares: Admixed American, 0.016%; 1 homozygote.

Submission:

Labcorp Genetics (formerly Invitae), Labcorp
Classification: Uncertain significance. Last evaluated: 2025-10-13. Review status: criteria provided, single submitter. Criteria: Invitae Variant Classification Sherloc (09022015). Collection method: clinical testing. Allele origin: germline.
Comment: This sequence change replaces glutamic acid, which is acidic and polar, with lysine, which is basic and polar, at codon 471 of the FSCN2 protein (p.Glu471Lys). The frequency data for this variant in the population databases is considered unreliable, as metrics indicate poor data quality at this position in the gnomAD database. This variant has not been reported in the literature in individuals affected with FSCN2-related conditions. ClinVar contains an entry for this variant (Variation ID: 1417981). An algorithm developed to predict the effect of missense changes on protein structure and function (PolyPhen-2) suggests that this variant is likely to be disruptive. In summary, the available evidence is currently insufficient to determine the role of this variant in disease. Therefore, it has been classified as a Variant of Uncertain Significance.